The following is an entry in ClinVar:

NM_000368.5(TSC1):c.3335G>A (p.Ser1112Asn)

Gene: TSC1 (TSC complex subunit 1; minus strand). Cytogenetic location: 9q34.13.
Variant type: single nucleotide variant.
Coding change: c.3335G>A on transcript NM_000368.5 (MANE Select); coding-DNA position 3335, G replaced by A.
Protein change: p.Ser1112Asn; replaces serine 1112 with asparagine.
Molecular consequence: missense variant.
Genome position (GRCh38, 1-based): chr9:132,896,395, C>T on the plus strand (G>A on the coding strand, the complement: TSC1 is on the minus strand). VCF-style: chr9-132896395-C-T. GRCh37 (hg19) VCF-style: chr9-135771782-C-T.
Other names: c.3332G>A, p.Ser1111Asn (NM_001162426.2, NM_001406597.1, NM_001406598.1 and 2 more transcripts); c.3182G>A, p.Ser1061Asn (NM_001162427.2, NM_001406610.1); c.2972G>A, p.Ser991Asn (NM_001362177.2, NM_001406614.1, NM_001406615.1 and 4 more transcripts); c.3335G>A, p.Ser1112Asn (NM_001406592.1, NM_001406593.1, NM_001406594.1 and 2 more transcripts); c.3320G>A, p.Ser1107Asn (NM_001406601.1, NM_001406602.1); c.3179G>A, p.Ser1060Asn (NM_001406612.1, NM_001406611.1); c.3137G>A, p.Ser1046Asn (NM_001406613.1); c.2969G>A, p.Ser990Asn (NM_001406620.1, NM_001406621.1, NM_001406622.1 and 1 more transcripts); and 8 more; short protein forms S1098N, S1111N, S1112N, S990N, S991N, S1061N, S794N, S795N.
Identifiers: ClinVar variation 2059523 (VCV002059523.7), dbSNP rs2131593594, ClinGen allele CA375366590.

ClinVar aggregate classification (germline): Conflicting classifications of pathogenicity. Review status: criteria provided, conflicting classifications (1 of 4 stars). 3 submissions from 3 submitters: Uncertain significance (2); Likely benign (1). Last evaluated 2026-07-13.

Conditions:
Tuberous sclerosis syndrome (TSC). Also called: Tuberous Sclerosis Complex; Tuberous sclerosis. Identifiers: Orphanet 805, MedGen C0041341, MONDO:0001734.
Hereditary cancer-predisposing syndrome. Also called: Tumor predisposition; Hereditary Cancer Syndrome; Hereditary neoplastic syndrome; Neoplastic Syndromes, Hereditary. Identifiers: Orphanet 140162, MedGen C0027672, MeSH D009386, MONDO:0015356.
Tuberous sclerosis 1 (TSC1). Identifiers: Orphanet 805, MedGen C1854465, MONDO:0008612, OMIM 191100.

Submissions (3):

Ambry Genetics
Classification: Likely benign for Hereditary cancer-predisposing syndrome. Last evaluated: 2026-07-13. Review status: criteria provided, single submitter. Criteria: Ambry Variant Classification Scheme 2023. Collection method: clinical testing. Allele origin: germline.

Color Diagnostics, LLC DBA Color Health
Classification: Uncertain significance for Tuberous sclerosis syndrome. Last evaluated: 2025-07-25. Review status: criteria provided, single submitter. Criteria: ACMG Guidelines, 2015. Collection method: clinical testing. Allele origin: germline.
Comment: This missense variant replaces serine with asparagine at codon 1112 of the TSC1 protein. Computational prediction suggests that this variant may not impact protein structure and function. To our knowledge, functional studies have not been reported for this variant. This variant has not been reported in individuals affected with TSC1-related disorders in the literature. This variant has not been identified in the general population by the Genome Aggregation Database (gnomAD). The available evidence is insufficient to determine the role of this variant in disease conclusively. Therefore, this variant is classified as a Variant of Uncertain Significance.

Labcorp Genetics (formerly Invitae), Labcorp
Classification: Uncertain significance for Tuberous sclerosis 1. Last evaluated: 2025-07-09. Review status: criteria provided, single submitter. Criteria: Invitae Variant Classification Sherloc (09022015). Collection method: clinical testing. Allele origin: germline.
Comment: This sequence change replaces serine, which is neutral and polar, with asparagine, which is neutral and polar, at codon 1112 of the TSC1 protein (p.Ser1112Asn). This variant is not present in population databases (gnomAD no frequency). This variant has not been reported in the literature in individuals affected with TSC1-related conditions. ClinVar contains an entry for this variant (Variation ID: 2059523). Invitae Evidence Modeling of protein sequence and biophysical properties (such as structural, functional, and spatial information, amino acid conservation, physicochemical variation, residue mobility, and thermodynamic stability) indicates that this missense variant is not expected to disrupt TSC1 protein function with a negative predictive value of 95%. In summary, the available evidence is currently insufficient to determine the role of this variant in disease. Therefore, it has been classified as a Variant of Uncertain Significance.